The following is an entry in ClinVar:

NM_018557.3(LRP1B):c.3137A>G (p.Glu1046Gly)

Gene: LRP1B (LDL receptor related protein 1B; minus strand). Cytogenetic location: 2q22.1.
Variant type: single nucleotide variant.
Coding change: c.3137A>G on transcript NM_018557.3 (MANE Select); coding-DNA position 3137, A replaced by G.
Protein change: p.Glu1046Gly; replaces glutamic acid 1046 with glycine.
Molecular consequence: missense variant.
Genome position (GRCh38, 1-based): chr2:140,923,147, T>C on the plus strand (A>G on the coding strand, the complement: LRP1B is on the minus strand). VCF-style: chr2-140923147-T-C. GRCh37 (hg19) VCF-style: chr2-141680716-T-C.
Other names: short protein forms E1046G.
Identifiers: ClinVar variation 3049100 (VCV003049100.2), dbSNP rs144637939, ClinGen allele CA1895478.

ClinVar aggregate classification (germline): Likely benign (0 of 4 stars; one submission).

Conditions:
LRP1B-related disorder. Also called: LRP1B-related condition.

Allele frequency attached by ClinVar (database versions not stated): gnomAD exomes 0.00017; ExAC 0.00048; gnomAD 0.00169; TOPMed 0.00175; 1000 Genomes Project 0.00200; ESP Exome Variant Server 0.00200; 1000 Genomes Project 30x 0.00203.
gnomAD v4.1: 507 of 1,610,354 alleles (0.031%); highest among the groups gnomAD compares: African/African-American, 0.64%; no homozygotes.

Submission:

PreventionGenetics, part of Exact Sciences
Classification: Likely benign for LRP1B-related condition. Last evaluated: 2019-04-05. Review status: no assertion criteria provided. Collection method: clinical testing. Allele origin: germline.
Comment: This variant is classified as likely benign based on ACMG/AMP sequence variant interpretation guidelines (Richards et al. 2015 PMID: 25741868, with internal and published modifications).